The following is an entry in ClinVar:

NM_000018.4(ACADVL):c.1182+3G>A

Gene: ACADVL (acyl-CoA dehydrogenase very long chain; plus strand). Cytogenetic location: 17p13.1.
Variant type: single nucleotide variant.
Coding change: c.1182+3G>A on transcript NM_000018.4 (MANE Select); 3 bases into the intron after coding-DNA position 1182, G replaced by A.
Molecular consequence: intron variant.
Genome position (GRCh38, 1-based): chr17:7,223,240, G>A. VCF-style: chr17-7223240-G-A. GRCh37 (hg19) VCF-style: chr17-7126559-G-A.
Other names: c.1251+3G>A (NM_001270447.2); c.954+3G>A (NM_001270448.2); c.1116+3G>A (NM_001033859.3).
Identifiers: ClinVar variation 513965 (VCV000513965.5), dbSNP rs376281637, ClinGen allele CA658798686.

ClinVar aggregate classification (germline): Conflicting classifications of pathogenicity. Review status: criteria provided, conflicting classifications (1 of 4 stars). 2 submissions from 2 submitters: Uncertain significance (1); Likely benign (1). Last evaluated 2022-07-30.

Conditions:
Very long chain acyl-CoA dehydrogenase deficiency (ACADVLD). Also called: VLCAD Deficiency; Very Long-Chain Acyl-Coenzyme A Dehydrogenase Deficiency. Identifiers: Orphanet 26793, MedGen C3887523, MONDO:0008723, OMIM 201475.

gnomAD v4.1: 1 of 1,610,652 alleles (0.000062%); highest among the groups gnomAD compares: Admixed American, 0.0017%; no homozygotes.

Submissions (2):

Labcorp Genetics (formerly Invitae), Labcorp
Classification: Uncertain significance for Very long chain acyl-CoA dehydrogenase deficiency. Last evaluated: 2022-07-30. Review status: criteria provided, single submitter. Criteria: Invitae Variant Classification Sherloc (09022015). Collection method: clinical testing. Allele origin: germline.
Comment: This sequence change falls in intron 11 of the ACADVL gene. It does not directly change the encoded amino acid sequence of the ACADVL protein. It affects a nucleotide within the consensus splice site. This variant is not present in population databases (gnomAD no frequency). This variant has not been reported in the literature in individuals affected with ACADVL-related conditions. ClinVar contains an entry for this variant (Variation ID: 513965). Variants that disrupt the consensus splice site are a relatively common cause of aberrant splicing (PMID: 17576681, 9536098). Algorithms developed to predict the effect of sequence changes on RNA splicing suggest that this variant may disrupt the consensus splice site. In summary, the available evidence is currently insufficient to determine the role of this variant in disease. Therefore, it has been classified as a Variant of Uncertain Significance.

GeneDx
Classification: Likely benign. Last evaluated: 2017-12-27. Review status: criteria provided, single submitter. Criteria: GeneDx Variant Classification (06012015). Collection method: clinical testing. Allele origin: germline. Affected: yes.
Comment: This variant is considered likely benign or benign based on one or more of the following criteria: it is a conservative change, it occurs at a poorly conserved position in the protein, it is predicted to be benign by multiple in silico algorithms, and/or has population frequency not consistent with disease.

Literature cited by the submitters: PubMed 17576681 (cited by Labcorp Genetics (formerly Invitae), Labcorp); PubMed 9536098 (cited by Labcorp Genetics (formerly Invitae), Labcorp).